The following is an entry in ClinVar:

ClinVar aggregate classification (germline): Likely pathogenic (1 of 4 stars; one submission).

Submission:

GeneDx
Classification: Likely pathogenic. Last evaluated: 2026-10-06. Review status: criteria provided, single submitter. Criteria: GeneDx Variant Classification Process June 2021. Collection method: clinical testing. Allele origin: germline.
Comment: Not observed at significant frequency in large population cohorts (gnomAD); In silico analysis supports that this missense variant has a deleterious effect on protein structure/function; Has not been previously published as pathogenic or benign to our knowledge

NM_198880.3(QRICH1):c.1874C>T (p.Thr625Ile)

Gene: QRICH1 (glutamine rich 1; minus strand). Cytogenetic location: 3p21.31.
Variant type: single nucleotide variant.
Coding change: c.1874C>T on transcript NM_198880.3 (MANE Select); coding-DNA position 1874, C replaced by T.
Protein change: p.Thr625Ile; replaces threonine 625 with isoleucine.
Molecular consequence: missense variant.
Genome position (GRCh38, 1-based): chr3:49,033,141, G>A on the plus strand (C>T on the coding strand, the complement: QRICH1 is on the minus strand). VCF-style: chr3-49033141-G-A. GRCh37 (hg19) VCF-style: chr3-49070574-G-A.
Other names: c.1874C>T, p.Thr625Ile (NM_001320580.2, NM_001320581.2, NM_001320582.2 and 4 more transcripts); short protein forms T625I.
Identifiers: ClinVar variation 3766041 (VCV003766041.2).